The following is an entry in ClinVar:

ClinVar aggregate classification (germline): Likely benign (1 of 4 stars; one submission).

gnomAD v4.1: 1,789 of 1,614,052 alleles (0.11%); highest among the groups gnomAD compares: Non-Finnish European, 0.14%; 2 homozygotes.

Submission:

CeGaT Center for Human Genetics Tuebingen
Classification: Likely benign. Last evaluated: 2026-08-01. Review status: criteria provided, single submitter. Criteria: CeGaT Center For Human Genetics Tuebingen Variant Classification Criteria Version 2. Collection method: clinical testing. Allele origin: germline. Affected: yes. Observed: 2 variant alleles.
Comment: WIPI2: BP4, BP7

NM_015610.4(WIPI2):c.663G>A (p.Ser221=)

Gene: WIPI2 (WD repeat domain, phosphoinositide interacting 2; plus strand). Cytogenetic location: 7p22.1.
Variant type: single nucleotide variant.
Coding change: c.663G>A on transcript NM_015610.4 (MANE Select); coding-DNA position 663, G replaced by A.
Protein change: p.Ser221=; no amino-acid change (serine 221 retained).
Molecular consequence: synonymous variant.
Genome position (GRCh38, 1-based): chr7:5,218,008, G>A. VCF-style: chr7-5218008-G-A. GRCh37 (hg19) VCF-style: chr7-5257639-G-A.
Other names: c.663G>A, p.Ser221= (NM_001033518.2); c.609G>A, p.Ser203= (NM_001033519.2, NM_016003.4); c.486G>A, p.Ser162= (NM_001033520.1); c.231G>A, p.Ser77= (NM_001278299.2).
Identifiers: ClinVar variation 3770579 (VCV003770579.13).